The following is an entry in ClinVar:

NM_053025.4(MYLK):c.4309G>T (p.Val1437Leu)

Gene: MYLK (myosin light chain kinase; minus strand). Cytogenetic location: 3q21.1.
Variant type: single nucleotide variant.
Coding change: c.4309G>T on transcript NM_053025.4 (MANE Select); coding-DNA position 4309, G replaced by T.
Protein change: p.Val1437Leu; replaces valine 1437 with leucine.
Molecular consequence: missense variant.
Genome position (GRCh38, 1-based): chr3:123,649,174, C>A on the plus strand (G>T on the coding strand, the complement: MYLK is on the minus strand). VCF-style: chr3-123649174-C-A. GRCh37 (hg19) VCF-style: chr3-123368021-C-A.
Other names: c.3781G>T, p.Val1261Leu (NM_001321309.2); c.4102G>T, p.Val1368Leu (NM_053026.4, NM_053028.4); c.4309G>T, p.Val1437Leu (NM_053027.4); short protein forms V1368L, V1437L, V1261L.
Identifiers: ClinVar variation 4115048 (VCV004115048.1).

ClinVar aggregate classification (germline): Uncertain significance (1 of 4 stars; one submission).

Conditions:
Familial thoracic aortic aneurysm and aortic dissection (TAAD). Also called: Thoracic aortic aneurysms and dissections. Identifiers: Orphanet 91387, MedGen C4707243, MONDO:0019625.

gnomAD v4.1: 2 of 1,613,114 alleles (0.00012%); highest among the groups gnomAD compares: Admixed American, 0.0017%; no homozygotes.

Submission:

Ambry Genetics
Classification: Uncertain significance for Familial thoracic aortic aneurysm and aortic dissection. Last evaluated: 2025-06-30. Review status: criteria provided, single submitter. Criteria: Ambry Variant Classification Scheme 2023. Collection method: clinical testing. Allele origin: germline.
Comment: The p.V1437L variant (also known as c.4309G>T), located in coding exon 22 of the MYLK gene, results from a G to T substitution at nucleotide position 4309. The valine at codon 1437 is replaced by leucine, an amino acid with highly similar properties. This amino acid position is conserved. In addition, this alteration is predicted to be tolerated by in silico analysis. Based on the available evidence, the clinical significance of this variant remains unclear.